The following is an entry in ClinVar:

NM_001127222.2(CACNA1A):c.2357del (p.Leu786fs)

Gene: CACNA1A (calcium voltage-gated channel subunit alpha1 A; minus strand). Cytogenetic location: 19p13.13.
Variant type: Deletion.
Coding change: c.2357del on transcript NM_001127222.2 (MANE Select); coding-DNA position 2357, one base deleted (T; older notation c.2357delT).
Protein change: p.Leu786fs; shifts the reading frame from leucine 786.
Molecular consequence: frameshift variant.
Genome position (GRCh38, 1-based): chr19:13,299,276, A deleted on the plus strand (T on the coding strand, the reverse complement: CACNA1A is on the minus strand); the first of 2 consecutive A bases (chr19:13,299,276-13,299,277); deleting either gives the same sequence. VCF-style (leftmost placement, unchanged base first): chr19-13299275-CA-C. GRCh37 (hg19) VCF-style: chr19-13410089-CA-C.
Other names: c.2369del, p.Leu790fs (NM_000068.4, NM_023035.3); c.2360del, p.Leu787fs (NM_001127221.2, NM_001174080.2); short protein forms L786fs, L790fs, L787fs.
Identifiers: ClinVar variation 839990 (VCV000839990.10), dbSNP rs2057739636, ClinGen allele CA916082451.

ClinVar aggregate classification (germline): Pathogenic (1 of 4 stars; one submission).

Conditions:
Episodic ataxia type 2 (EA2). Also called: ACETAZOLAMIDE-RESPONSIVE HEREDITARY PAROXYSMAL CEREBELLAR ATAXIA; ATAXIA, EPISODIC, WITH NYSTAGMUS; ATAXIA, FAMILIAL PAROXYSMAL; CEREBELLAR ATAXIA, PAROXYSMAL, ACETAZOLAMIDE-RESPONSIVE; CEREBELLOPATHY, HEREDITARY PAROXYSMAL; EPISODIC ATAXIA, NYSTAGMUS-ASSOCIATED. Identifiers: Orphanet 97, MedGen C1720416, MONDO:0007163, OMIM 108500.
Developmental and epileptic encephalopathy, 42 (DEE42A). Also called: DEVELOPMENTAL AND EPILEPTIC ENCEPHALOPATHY 42A; EPILEPTIC ENCEPHALOPATHY, EARLY INFANTILE, 42A; Epileptic encephalopathy, early infantile, 42. Identifiers: MedGen C4310716, MONDO:0014917, OMIM 617106.

Submission:

Labcorp Genetics (formerly Invitae), Labcorp
Classification: Pathogenic for Developmental and epileptic encephalopathy, 42; Episodic ataxia type 2. Last evaluated: 2020-02-06. Review status: criteria provided, single submitter. Criteria: Invitae Variant Classification Sherloc (09022015). Collection method: clinical testing. Allele origin: germline.
Comment: This variant is not present in population databases (ExAC no frequency). For these reasons, this variant has been classified as Pathogenic. Loss-of-function variants in CACNA1A are known to be pathogenic (PMID: 10371528, 19486177, 25735478, 27250579). This variant has not been reported in the literature in individuals with CACNA1A-related conditions. This sequence change creates a premature translational stop signal (p.Leu787Cysfs*30) in the CACNA1A gene. It is expected to result in an absent or disrupted protein product.

Literature cited by the submitters: PubMed 10371528; PubMed 19486177; PubMed 25735478; PubMed 27250579.